The following is an entry in ClinVar:

NM_002528.7(NTHL1):c.526-3C>T

Gene: NTHL1 (nth like DNA glycosylase 1; minus strand). Cytogenetic location: 16p13.3.
Variant type: single nucleotide variant.
Coding change: c.526-3C>T on transcript NM_002528.7 (MANE Select); 3 bases into the intron before coding-DNA position 526, C replaced by T.
Molecular consequence: intron variant.
Genome position (GRCh38, 1-based): chr16:2,043,729, G>A on the plus strand (C>T on the coding strand, the complement: NTHL1 is on the minus strand). VCF-style: chr16-2043729-G-A. GRCh37 (hg19) VCF-style: chr16-2093730-G-A.
Other names: c.196-3C>T (NM_001318194.2); c.355-3C>T (NM_001318193.2).
Identifiers: ClinVar variation 1006116 (VCV001006116.10), dbSNP rs2084301468, ClinGen allele CA2202015580.

ClinVar aggregate classification (germline): Uncertain significance. Review status: criteria provided, multiple submitters, no conflicts (2 of 4 stars). 4 submissions from 4 submitters: Uncertain significance (4). Last evaluated 2025-09-09.

Conditions:
Hereditary cancer-predisposing syndrome. Also called: Hereditary neoplastic syndrome; Neoplastic Syndromes, Hereditary; Tumor predisposition; Hereditary Cancer Syndrome. Identifiers: Orphanet 140162, MedGen C0027672, MeSH D009386, MONDO:0015356.

Submissions (4):

Labcorp Genetics (formerly Invitae), Labcorp
Classification: Uncertain significance. Last evaluated: 2025-09-09. Review status: criteria provided, single submitter. Criteria: Invitae Variant Classification Sherloc (09022015). Collection method: clinical testing. Allele origin: germline.
Comment: This sequence change falls in intron 3 of the NTHL1 gene. It does not directly change the encoded amino acid sequence of the NTHL1 protein. It affects a nucleotide within the consensus splice site. This variant is not present in population databases (gnomAD no frequency). This variant has not been reported in the literature in individuals affected with NTHL1-related conditions. ClinVar contains an entry for this variant (Variation ID: 1006116). Variants that disrupt the consensus splice site are a relatively common cause of aberrant splicing (PMID: 17576681, 9536098). Algorithms developed to predict the effect of sequence changes on RNA splicing suggest that this variant is not likely to affect RNA splicing. In summary, the available evidence is currently insufficient to determine the role of this variant in disease. Therefore, it has been classified as a Variant of Uncertain Significance.

Ambry Genetics
Classification: Uncertain significance for Hereditary cancer-predisposing syndrome. Last evaluated: 2025-03-27. Review status: criteria provided, single submitter. Criteria: Ambry Variant Classification Scheme 2023. Collection method: clinical testing. Allele origin: germline.
Comment: The c.550-3C>T intronic variant results from a C to T substitution 3 nucleotides upstream from coding exon 4 in the NTHL1 gene. This nucleotide position is well conserved in available vertebrate species. In silico splice site analysis for this alteration is inconclusive. Based on the available evidence, the clinical significance of this variant remains unclear.

Center for Genomic Medicine, Rigshospitalet, Copenhagen University Hospital
Classification: Uncertain significance. Last evaluated: 2025-03-04. Review status: criteria provided, single submitter. Criteria: ACMG Guidelines, 2015. Collection method: clinical testing. Allele origin: germline.

Sema4
Classification: Uncertain significance for Hereditary cancer-predisposing syndrome. Last evaluated: 2022-02-10. Review status: criteria provided, single submitter. Criteria: Sema4 Curation Guidelines. Collection method: curation. Allele origin: germline.
Comment: The NTHL1 c.550-3C>T variant has not been reported in the literature to our knowledge. It was not observed in the large and broad cohorts of the Genome Aggregation Database (PMID: 32461654). This variant has been reported in ClinVar (Variation ID 1006116). Algorithms developed to predict the effect of sequence changes on RNA splicing do not suggest negative effect, though these predictions have not been confirmed by functional studies. Nucleotide substitutions within the consensus splice site are a relatively common cause of aberrant splicing (PMID: 17576681, 9536098). The evidence is insufficient to meet ACMG/AMP criteria for classifying the variant as benign or pathogenic. Thus, the clinical significance of this variant is currently uncertain.

Literature cited by the submitters: PubMed 17576681 (cited by Labcorp Genetics (formerly Invitae), Labcorp and Sema4); PubMed 9536098 (cited by Labcorp Genetics (formerly Invitae), Labcorp and Sema4).